The following is an entry in ClinVar:

NM_001369623.2(PI4KB):c.2339T>A (p.Met780Lys)

Gene: PI4KB (phosphatidylinositol 4-kinase beta; minus strand). Cytogenetic location: 1q21.3.
Variant type: single nucleotide variant.
Coding change: c.2339T>A on transcript NM_001369623.2 (MANE Select); coding-DNA position 2339, T replaced by A.
Protein change: p.Met780Lys; replaces methionine 780 with lysine.
Molecular consequence: missense variant.
Genome position (GRCh38, 1-based): chr1:151,292,964, A>T on the plus strand (T>A on the coding strand, the complement: PI4KB is on the minus strand). VCF-style: chr1-151292964-A-T. GRCh37 (hg19) VCF-style: chr1-151265440-A-T.
Other names: c.2375T>A, p.Met792Lys (NM_002651.4); c.2375T>A (NM_002651.3); c.2294T>A, p.Met765Lys (NM_001198773.3, NM_001198774.2, NM_001369624.1); c.1343T>A, p.Met448Lys (NM_001198775.3); c.2339T>A, p.Met780Lys (NM_001330721.2, NM_001369629.2); c.2330T>A, p.Met777Lys (NM_001369625.1); c.2402T>A, p.Met801Lys (NM_001369626.1); c.2393T>A, p.Met798Lys (NM_001369628.1); short protein forms M765K, M448K, M798K, M777K, M780K, M792K, M801K.
Identifiers: ClinVar variation 2547434 (VCV002547434.4), dbSNP rs1025558522, ClinGen allele CA29527060.
Genomic context (GRCh38, chr1:151,292,964, plus strand): 5'-ATAGACCGCATACTGCCATCCACCATCTGCTCCACCAGCAGCTGCAGCTGCTCCTCAGTC[A>T]TGCTCATGTGGAACCTCTCTTTGAGGTTTCGAATGGTGCTGGAGCCATGGAAGCAAGGAA-3'
Protein context (NP_001356552.1, residues 770-790): RNLKERFHMS[Met780Lys]TEEQLQLLVE

ClinVar aggregate classification (germline): Uncertain significance. Review status: criteria provided, single submitter (1 of 4 stars). 2 submissions from 2 submitters: Uncertain significance (1). 1 of the submissions does not count toward it. Last evaluated 2023-05-17.

Conditions:
PI4KB-related disorder. Also called: PI4KB-related condition.

Allele frequency attached by ClinVar (database versions not stated): TOPMed below 0.00001; gnomAD 0.00001; gnomAD exomes 0.00001.
gnomAD v4.1: 5 of 1,614,020 alleles (0.00031%); highest among the groups gnomAD compares: Non-Finnish European, 0.00042%; no homozygotes.

Submissions (2):

Ambry Genetics
Classification: Uncertain significance. Last evaluated: 2023-05-17. Review status: criteria provided, single submitter. Criteria: Ambry Variant Classification Scheme 2023. Collection method: clinical testing. Allele origin: germline.

PreventionGenetics, part of Exact Sciences
Classification: Uncertain significance for PI4KB-related condition. Last evaluated: 2024-09-10. Review status: no assertion criteria provided. Collection method: clinical testing. Allele origin: germline. Not counted in ClinVar's aggregate classification.
Comment: The PI4KB c.2375T>A variant is predicted to result in the amino acid substitution p.Met792Lys. To our knowledge, this variant has not been reported in the literature. This variant is reported in 0.0018% of alleles in individuals of European (Non-Finnish) descent in gnomAD. At this time, the clinical significance of this variant is uncertain due to the absence of conclusive functional and genetic evidence.